The following is an entry in ClinVar:

ClinVar aggregate classification (germline): Pathogenic (1 of 4 stars; one submission).

Conditions:
Leber congenital amaurosis 8 (LCA8). Identifiers: Orphanet 65, MedGen C3151202, MONDO:0013453, OMIM 613835.
Retinitis pigmentosa 12 (RP12). Also called: RP WITH OR WITHOUT PRESERVED PARAARTERIOLE RETINAL PIGMENT EPITHELIUM; RETINITIS PIGMENTOSA WITH OR WITHOUT PARAARTERIOLAR PRESERVATION OF RETINAL PIGMENT EPITHELIUM; RP WITH OR WITHOUT PPRPE. Identifiers: Orphanet 791, MedGen C1838647, MONDO:0010818, OMIM 600105.

Submission:

Labcorp Genetics (formerly Invitae), Labcorp
Classification: Pathogenic for Leber congenital amaurosis 8; Retinitis pigmentosa 12. Last evaluated: 2021-11-20. Review status: criteria provided, single submitter. Criteria: Invitae Variant Classification Sherloc (09022015). Collection method: clinical testing. Allele origin: germline.
Comment: For these reasons, this variant has been classified as Pathogenic. This variant has not been reported in the literature in individuals affected with CRB1-related conditions. This variant is not present in population databases (gnomAD no frequency). This sequence change creates a premature translational stop signal (p.Trp1169Cysfs*6) in the CRB1 gene. It is expected to result in an absent or disrupted protein product. Loss-of-function variants in CRB1 are known to be pathogenic (PMID: 10508521, 22065545, 23379534, 25412400, 26957898, 28041643, 29391521).

Literature cited by the submitters: PubMed 10508521; PubMed 22065545; PubMed 23379534; PubMed 25412400; PubMed 26957898; PubMed 28041643; PubMed 29391521.

NM_201253.3(CRB1):c.3507_3508del (p.Trp1169fs)

Gene: CRB1 (crumbs cell polarity complex component 1; plus strand). Cytogenetic location: 1q31.3.
Variant type: Deletion.
Coding change: c.3507_3508del on transcript NM_201253.3 (MANE Select); coding-DNA positions 3507 to 3508, 2 bases deleted (GT; older notation c.3507_3508delGT).
Protein change: p.Trp1169fs; shifts the reading frame from tryptophan 1169.
Molecular consequence: frameshift variant. On other transcripts: non-coding transcript variant (2), intron variant (1).
Genome position (GRCh38, 1-based): chr1:197,435,370-197,435,371, GT deleted. VCF-style (leftmost placement, unchanged base first): chr1-197435369-GGT-G. GRCh37 (hg19) VCF-style: chr1-197404499-GGT-G.
Other names: c.3171_3172del, p.Trp1057fs (NM_001193640.2); c.3435_3436del, p.Trp1145fs (NM_001257965.2); c.2129-230_2129-229del (NM_001257966.2); short protein forms W1057fs, W1145fs, W1169fs.
Identifiers: ClinVar variation 2118186 (VCV002118186.4), dbSNP rs2528203102, ClinGen allele CA2580061940.